The following is an entry in ClinVar:

NM_001130987.2(DYSF):c.5105TCG[1] (p.Val1703del)

Gene: DYSF (dysferlin; plus strand). Cytogenetic location: 2p13.2.
Variant type: Microsatellite.
Coding change: c.5105TCG[1] on transcript NM_001130987.2 (MANE Select); one copy of the 3-base unit TCG starting at c.5105; the reference has two copies in a row; one copy, 3 bases deleted.
Protein change: p.Val1703del; deletes valine 1703.
Molecular consequence: inframe deletion.
Genome position (GRCh38, 1-based): chr2:71,664,372-71,664,374, TCG deleted; deleting any 3 consecutive bases within chr2:71,664,368-71,664,374 gives the same sequence; the position shown is the placement nearest the transcript's 3' end. VCF-style (leftmost placement, unchanged base first): chr2-71664367-GGTC-G. GRCh37 (hg19) VCF-style: chr2-71891497-GGTC-G.
Other names: c.4991TCG[1], p.Val1665del (NM_001130455.2); c.4946TCG[1], p.Val1650del (NM_001130976.2); c.5009TCG[1], p.Val1671del (NM_001130977.2); c.5051TCG[1], p.Val1685del (NM_001130978.2); c.5081TCG[1], p.Val1695del (NM_001130979.2); c.5039TCG[1], p.Val1681del (NM_001130980.2); c.5102TCG[1], p.Val1702del (NM_001130981.2); c.5084TCG[1], p.Val1696del (NM_001130982.2); and 5 more; short protein forms V1665del, V1672del, V1695del, V1696del, V1651del, V1681del, V1686del, V1703del.
Identifiers: ClinVar variation 2113709 (VCV002113709.4), dbSNP rs2546540635, ClinGen allele CA2580611654.

ClinVar aggregate classification (germline): Uncertain significance (1 of 4 stars; one submission).

Conditions:
Neuromuscular disease caused by qualitative or quantitative defects of dysferlin. Also called: Qualitative or quantitative defects of dysferlin; Dysferlinopathy. Identifiers: Orphanet 207073, MedGen C2931687, MONDO:0016145.

Submission:

Labcorp Genetics (formerly Invitae), Labcorp
Classification: Uncertain significance for Neuromuscular disease caused by qualitative or quantitative defects of dysferlin. Last evaluated: 2022-03-18. Review status: criteria provided, single submitter. Criteria: Invitae Variant Classification Sherloc (09022015). Collection method: clinical testing. Allele origin: germline.
Comment: This variant, c.4991_4993del, results in the deletion of 1 amino acid(s) of the DYSF protein (p.Val1664del), but otherwise preserves the integrity of the reading frame. This variant is not present in population databases (gnomAD no frequency). This variant has been observed in individual(s) with clinical features of DYSF-related conditions (Invitae). Experimental studies and prediction algorithms are not available or were not evaluated, and the functional significance of this variant is currently unknown. In summary, the available evidence is currently insufficient to determine the role of this variant in disease. Therefore, it has been classified as a Variant of Uncertain Significance.